The following is an entry in ClinVar:

ClinVar aggregate classification (germline): Uncertain significance (1 of 4 stars; one submission).

Conditions:
Hereditary cancer-predisposing syndrome. Also called: Tumor predisposition; Neoplastic Syndromes, Hereditary; Hereditary Cancer Syndrome; Hereditary neoplastic syndrome. Identifiers: Orphanet 140162, MedGen C0027672, MeSH D009386, MONDO:0015356.

Submission:

Ambry Genetics
Classification: Uncertain significance for Hereditary cancer-predisposing syndrome. Last evaluated: 2025-02-16. Review status: criteria provided, single submitter. Criteria: Ambry Variant Classification Scheme 2023. Collection method: clinical testing. Allele origin: germline.
Comment: The p.L2253H variant (also known as c.6758T>A), located in coding exon 15 of the APC gene, results from a T to A substitution at nucleotide position 6758. The leucine at codon 2253 is replaced by histidine, an amino acid with similar properties. This amino acid position is conserved. In addition, in silico predictors for this gene do not accurately predict pathogenicity. Based on the available evidence, the clinical significance of this variant remains unclear.

NM_000038.6(APC):c.6758T>A (p.Leu2253His)

Gene: APC (APC regulator of Wnt signaling pathway; plus strand). Cytogenetic location: 5q22.2.
Variant type: single nucleotide variant.
Coding change: c.6758T>A on transcript NM_000038.6 (MANE Select); coding-DNA position 6758, T replaced by A.
Protein change: p.Leu2253His; replaces leucine 2253 with histidine.
Molecular consequence: missense variant. On other transcripts: non-coding transcript variant (2).
Genome position (GRCh38, 1-based): chr5:112,842,352, T>A. VCF-style: chr5-112842352-T-A. GRCh37 (hg19) VCF-style: chr5-112178049-T-A.
Other names: c.6758T>A, p.Leu2253His (NM_001127510.3, NM_001354895.2, NM_001407450.1); c.6704T>A, p.Leu2235His (NM_001127511.3); c.6812T>A, p.Leu2271His (NM_001354896.2, NM_001407447.1, NM_001407448.1 and 1 more transcripts); c.6788T>A, p.Leu2263His (NM_001354897.2); c.6683T>A, p.Leu2228His (NM_001354898.2); c.6674T>A, p.Leu2225His (NM_001354899.2); c.6635T>A, p.Leu2212His (NM_001354900.2); c.6581T>A, p.Leu2194His (NM_001354901.2, NM_001407453.1); and 11 more; short protein forms L2093H, L2212H, L2228H, L2235H, L2253H, L1869H, L2127H, L2225H.
Identifiers: ClinVar variation 3882461 (VCV003882461.1).